The following is an entry in ClinVar:

NM_001378743.1(CYLD):c.2515del (p.Ser839fs)

Genes: CYLD (CYLD lysine 63 deubiquitinase; plus strand), CYLD-AS2 (CYLD antisense RNA 2; minus strand). Cytogenetic location: 16q12.1.
Variant type: Deletion.
Coding change: c.2515del on transcript NM_001378743.1 (MANE Select); coding-DNA position 2515, one base deleted (T; older notation c.2515delT).
Protein change: p.Ser839fs; shifts the reading frame from serine 839.
Molecular consequence: frameshift variant. On other transcripts: non-coding transcript variant (1).
Genome position (GRCh38, 1-based): chr16:50,794,257, T deleted. VCF-style (leftmost placement, unchanged base first): chr16-50794256-GT-G. GRCh37 (hg19) VCF-style: chr16-50828167-GT-G.
Other names: c.2506del, p.Ser836fs (NM_001042355.2, NM_001042412.3, NM_001378744.1 and 6 more transcripts); c.2476del, p.Ser826fs (NM_001378751.1, NM_001378752.1, NM_001378753.1); c.1840del, p.Ser614fs (NM_001378754.1, NM_001378755.1); c.2515del, p.Ser839fs (NM_015247.3); c.2515delT (NM_015247.2); short protein forms S836fs, S839fs, S614fs, S826fs.
Identifiers: ClinVar variation 267254 (VCV000267254.1), dbSNP rs886040893, ClinGen allele CA10590091.

ClinVar aggregate classification (germline): Pathogenic (1 of 4 stars; one submission).

Conditions:
Familial cylindromatosis. Also called: ANCELL-SPIEGLER CYLINDROMAS; Turban tumor syndrome. Identifiers: Orphanet 211, Orphanet 79493, MedGen C1851526, MONDO:0007565, OMIM 132700.

Submission:

Genomic Diagnostic Laboratory, Division of Genomic Diagnostics, Children's Hospital of Philadelphia
Classification: Pathogenic for Cylindromatosis, familial. Last evaluated: 2016-09-23. Review status: criteria provided, single submitter. Criteria: DGD Variant Analysis Guidelines. Collection method: clinical testing. Allele origin: germline. Affected: yes. Observed: 1 variant allele.
Comment: Clinical Testing